The following is an entry in ClinVar:

NM_003365.3(UQCRC1):c.83G>T (p.Arg28Leu)

Genes: UQCRC1 (ubiquinol-cytochrome c reductase core protein 1; minus strand), LOC129936713 (ATAC-STARR-seq lymphoblastoid silent region 14334; plus strand). Cytogenetic location: 3p21.31.
Variant type: single nucleotide variant.
Coding change: c.83G>T on transcript NM_003365.3 (MANE Select); coding-DNA position 83, G replaced by T.
Protein change: p.Arg28Leu; replaces arginine 28 with leucine.
Molecular consequence: missense variant.
Genome position (GRCh38, 1-based): chr3:48,609,289, C>A on the plus strand (G>T on the coding strand, the complement: UQCRC1 is on the minus strand). VCF-style: chr3-48609289-C-A. GRCh37 (hg19) VCF-style: chr3-48646722-C-A.
Other names: short protein forms R28L.
Identifiers: ClinVar variation 2469062 (VCV002469062.4), dbSNP rs751152790, ClinGen allele CA2382222.

ClinVar aggregate classification (germline): Uncertain significance. Review status: criteria provided, multiple submitters, no conflicts (2 of 4 stars). 2 submissions from 2 submitters: Uncertain significance (2). Last evaluated 2025-10-18.

Conditions:
Parkinsonism with polyneuropathy. Identifiers: Orphanet 611237, MedGen C5543299, MONDO:0036193, OMIM 619279.

Allele frequency attached by ClinVar (database versions not stated): ExAC 0.00002; gnomAD exomes 0.00003.
gnomAD v4.1: 39 of 1,609,056 alleles (0.0024%); highest among the groups gnomAD compares: South Asian, 0.042%; no homozygotes.

Submissions (2):

Ambry Genetics
Classification: Uncertain significance. Last evaluated: 2025-10-18. Review status: criteria provided, single submitter. Criteria: Ambry Variant Classification Scheme 2023. Collection method: clinical testing. Allele origin: germline.

Neuberg Centre For Genomic Medicine, NCGM
Classification: Uncertain significance for Parkinsonism with polyneuropathy. Review status: criteria provided, single submitter. Criteria: ACMG Guidelines, 2015. Collection method: clinical testing. Allele origin: germline. Inheritance: Autosomal dominant inheritance. Affected: yes.
Comment: The observed missense c.83G>T p.Arg28Leu variant in UQCRC1 gene has not been reported previously as a pathogenic variant nor as a benign variant, to our knowledge. The p.Arg28Leu variant is present with allele frequency of 0.006% in gnomAD Exomes. This variant has been submitted to the ClinVar database as Uncertain Significance. Multiple lines of computational evidence Polyphen - Benign, SIFT - Tolerated and Mutation Taster - Polymorphism predict no damaging effect on protein structure and function for this variant. The reference amino acid at this position on UQCRC1 is predicted as conserved by GERP++ and PhyloP across 100 vertebrates. The amino acid Arg at position 28 is changed to a Leu changing protein sequence and it might alter its composition and physico-chemical properties. For these reasons, this variant has been classified as Variant of Uncertain Significance VUS.